The following is an entry in ClinVar:

ClinVar aggregate classification (germline): Uncertain significance (1 of 4 stars; one submission).

Conditions:
Inborn genetic diseases. Identifiers: MedGen C0950123, MeSH D030342.

gnomAD v4.1: 9 of 1,614,062 alleles (0.00056%); highest among the groups gnomAD compares: South Asian, 0.0011%; no homozygotes.

Submission:

Ambry Genetics
Classification: Uncertain significance for Inborn genetic diseases. Last evaluated: 2026-02-17. Review status: criteria provided, single submitter. Criteria: Ambry Variant Classification Scheme 2023. Collection method: clinical testing. Allele origin: germline.
Comment: The c.452C>T (p.P151L) alteration is located in exon 3 (coding exon 3) of the RBFOX1 gene. This alteration results from a C to T substitution at nucleotide position 452, causing the proline (P) at amino acid position 151 to be replaced by a leucine (L). Based on data from gnomAD, the T allele has an overall frequency of <0.001% (1/251030) total alleles studied. The highest observed frequency was 0.003% (1/30612) of South Asian alleles. Based on insufficient or conflicting evidence, the clinical significance of this alteration remains unclear.

NM_018723.4(RBFOX1):c.392C>T (p.Pro131Leu)

Genes: RBFOX1 (RNA binding fox-1 homolog 1; plus strand), LOC126862278 (CDK7 strongly-dependent group 2 enhancer GRCh37_chr16:7629446-7630645; plus strand). Cytogenetic location: 16p13.3.
Variant type: single nucleotide variant.
Coding change: c.392C>T on transcript NM_018723.4 (MANE Select); coding-DNA position 392, C replaced by T.
Protein change: p.Pro131Leu; replaces proline 131 with leucine.
Molecular consequence: missense variant.
Genome position (GRCh38, 1-based): chr16:7,579,898, C>T. VCF-style: chr16-7579898-C-T. GRCh37 (hg19) VCF-style: chr16-7629900-C-T.
Other names: c.521C>T, p.Pro174Leu (NM_001308117.1, NM_001411047.1, NM_001415891.1 and 5 more transcripts); c.392C>T, p.Pro131Leu (NM_001364800.2, NM_001142333.2, NM_001142334.2 and 1 more transcripts); c.989C>T, p.Pro330Leu (NM_001415887.1, NM_001415888.1); c.500C>T, p.Pro167Leu (NM_001415889.1, NM_001415892.1, NM_001415909.1 and 5 more transcripts); c.467C>T, p.Pro156Leu (NM_001415890.1, NM_001415903.1, NM_001415905.1 and 4 more transcripts); c.452C>T, p.Pro151Leu (NM_001415904.1, NM_001415906.1, NM_001415915.1 and 4 more transcripts); c.398C>T, p.Pro133Leu (NM_001415911.1, NM_001415917.1, NM_001415902.1); short protein forms P151L, P156L, P174L, P167L, P131L, P133L, P330L.
Identifiers: ClinVar variation 4840140 (VCV004840140.1).